The following is an entry in ClinVar:

NM_000038.6(APC):c.8191C>G (p.Pro2731Ala)

Gene: APC (APC regulator of Wnt signaling pathway; plus strand). Cytogenetic location: 5q22.2.
Variant type: single nucleotide variant.
Coding change: c.8191C>G on transcript NM_000038.6 (MANE Select); coding-DNA position 8191, C replaced by G.
Protein change: p.Pro2731Ala; replaces proline 2731 with alanine.
Molecular consequence: missense variant. On other transcripts: non-coding transcript variant (2).
Genome position (GRCh38, 1-based): chr5:112,843,785, C>G. VCF-style: chr5-112843785-C-G. GRCh37 (hg19) VCF-style: chr5-112179482-C-G.
Other names: c.8191C>G, p.Pro2731Ala (NM_001127510.3, NM_001354895.2, NM_001407450.1); c.8137C>G, p.Pro2713Ala (NM_001127511.3); c.8245C>G, p.Pro2749Ala (NM_001354896.2, NM_001407447.1, NM_001407448.1 and 1 more transcripts); c.8221C>G, p.Pro2741Ala (NM_001354897.2); c.8116C>G, p.Pro2706Ala (NM_001354898.2); c.8107C>G, p.Pro2703Ala (NM_001354899.2); c.8068C>G, p.Pro2690Ala (NM_001354900.2); c.8014C>G, p.Pro2672Ala (NM_001354901.2, NM_001407453.1); and 11 more; short protein forms P2630A, P2741A, P2571A, P2605A, P2347A, P2448A, P2602A, P2648A.
Identifiers: ClinVar variation 2794600 (VCV002794600.3), dbSNP rs754566648, ClinGen allele CA16039112.
Genomic context (GRCh38, chr5:112,843,785, plus strand): 5'-GTTCCCATGCGTACCGTGGGTTTGGAAAATCGCCTGAACTCCTTTATTCAGGTGGATGCC[C>G]CTGACCAAAAAGGAACTGAGATAAAACCAGGACAAAATAATCCTGTCCCTGTATCAGAGA-3'
Protein context (NP_000029.2, residues 2721-2741): RLNSFIQVDA[Pro2731Ala]DQKGTEIKPG

ClinVar aggregate classification (germline): Uncertain significance (1 of 4 stars; one submission).

Conditions:
Familial adenomatous polyposis 1 (FAP1). Also called: FAMILIAL ADENOMATOUS POLYPOSIS 1, ATTENUATED; POLYPOSIS, ADENOMATOUS INTESTINAL. Identifiers: MedGen C2713442, MONDO:0021056, OMIM 175100. Disease mechanism: loss of function.

Submission:

Labcorp Genetics (formerly Invitae), Labcorp
Classification: Uncertain significance for Familial adenomatous polyposis 1. Last evaluated: 2023-04-30. Review status: criteria provided, single submitter. Criteria: Invitae Variant Classification Sherloc (09022015). Collection method: clinical testing. Allele origin: germline.
Comment: This sequence change replaces proline, which is neutral and non-polar, with alanine, which is neutral and non-polar, at codon 2731 of the APC protein (p.Pro2731Ala). This variant is not present in population databases (gnomAD no frequency). This variant has not been reported in the literature in individuals affected with APC-related conditions. Advanced modeling of protein sequence and biophysical properties (such as structural, functional, and spatial information, amino acid conservation, physicochemical variation, residue mobility, and thermodynamic stability) performed at Invitae indicates that this missense variant is not expected to disrupt APC protein function. In summary, the available evidence is currently insufficient to determine the role of this variant in disease. Therefore, it has been classified as a Variant of Uncertain Significance.